The following is an entry in ClinVar:

NM_152703.5(SAMD9L):c.1727A>G (p.Asn576Ser)

Gene: SAMD9L (sterile alpha motif domain containing 9 like; minus strand). Cytogenetic location: 7q21.2.
Variant type: single nucleotide variant.
Coding change: c.1727A>G on transcript NM_152703.5 (MANE Select); coding-DNA position 1727, A replaced by G.
Protein change: p.Asn576Ser; replaces asparagine 576 with serine.
Molecular consequence: missense variant.
Genome position (GRCh38, 1-based): chr7:93,134,245, T>C on the plus strand (A>G on the coding strand, the complement: SAMD9L is on the minus strand). VCF-style: chr7-93134245-T-C. GRCh37 (hg19) VCF-style: chr7-92763558-T-C.
Other names: c.1727A>G, p.Asn576Ser (NM_001303496.3, NM_001303497.3, NM_001303498.3 and 5 more transcripts); short protein forms N576S.
Identifiers: ClinVar variation 4844833 (VCV004844833.1).

ClinVar aggregate classification (germline): Uncertain significance (1 of 4 stars; one submission).

Conditions:
Inborn genetic diseases. Identifiers: MedGen C0950123, MeSH D030342.

Submission:

Ambry Genetics
Classification: Uncertain significance for Inborn genetic diseases. Last evaluated: 2026-02-16. Review status: criteria provided, single submitter. Criteria: Ambry Variant Classification Scheme 2023. Collection method: clinical testing. Allele origin: germline.
Comment: The p.N576S variant (also known as c.1727A>G), located in coding exon 1 of the SAMD9L gene, results from an A to G substitution at nucleotide position 1727. The asparagine at codon 576 is replaced by serine, an amino acid with highly similar properties. This amino acid position is conserved. In addition, this alteration is predicted to be tolerated by in silico analysis. Based on the available evidence, the clinical significance of this variant remains unclear.